The following is an entry in ClinVar:

ClinVar aggregate classification (germline): Likely benign (0 of 4 stars; one submission).

Conditions:
JAG2-related disorder. Also called: JAG2-related condition.

Allele frequency attached by ClinVar (database versions not stated): ExAC 0.00001; ESP Exome Variant Server 0.00008.
gnomAD v4.1: 9 of 1,610,838 alleles (0.00056%); highest among the groups gnomAD compares: Non-Finnish European, 0.00076%; no homozygotes.

Submission:

PreventionGenetics, part of Exact Sciences
Classification: Likely benign for JAG2-related condition. Last evaluated: 2021-10-04. Review status: no assertion criteria provided. Collection method: clinical testing. Allele origin: germline.
Comment: This variant is classified as likely benign based on ACMG/AMP sequence variant interpretation guidelines (Richards et al. 2015 PMID: 25741868, with internal and published modifications).

NM_002226.5(JAG2):c.3639C>T (p.Ala1213=)

Gene: JAG2 (jagged canonical Notch ligand 2; minus strand). Cytogenetic location: 14q32.33.
Variant type: single nucleotide variant.
Coding change: c.3639C>T on transcript NM_002226.5 (MANE Select); coding-DNA position 3639, C replaced by T.
Protein change: p.Ala1213=; no amino-acid change (alanine 1213 retained).
Molecular consequence: synonymous variant.
Genome position (GRCh38, 1-based): chr14:105,142,773, G>A on the plus strand (C>T on the coding strand, the complement: JAG2 is on the minus strand). VCF-style: chr14-105142773-G-A. GRCh37 (hg19) VCF-style: chr14-105609110-G-A.
Other names: c.3525C>T, p.Ala1175= (NM_145159.3).
Identifiers: ClinVar variation 3030536 (VCV003030536.2), dbSNP rs368232652, ClinGen allele CA7385126.